The following is an entry in ClinVar:

NM_013450.4(BAZ2B):c.4228G>T (p.Ala1410Ser)

Genes: BAZ2B (bromodomain adjacent to zinc finger domain 2B; minus strand), LOC126806390 (CDK7 strongly-dependent group 2 enhancer GRCh37_chr2:160205700-160206899; plus strand). Cytogenetic location: 2q24.2.
Variant type: single nucleotide variant.
Coding change: c.4228G>T on transcript NM_013450.4 (MANE Select); coding-DNA position 4228, G replaced by T.
Protein change: p.Ala1410Ser; replaces alanine 1410 with serine.
Molecular consequence: missense variant.
Genome position (GRCh38, 1-based): chr2:159,350,343, C>A on the plus strand (G>T on the coding strand, the complement: BAZ2B is on the minus strand). VCF-style: chr2-159350343-C-A. GRCh37 (hg19) VCF-style: chr2-160206854-C-A.
Other names: c.4120G>T, p.Ala1374Ser (NM_001289975.1); c.4066G>T, p.Ala1356Ser (NM_001329857.2); c.4153G>T, p.Ala1385Ser (NM_001329858.2); short protein forms A1356S, A1374S, A1385S, A1410S.
Identifiers: ClinVar variation 4686499 (VCV004686499.1).

ClinVar aggregate classification (germline): Uncertain significance (1 of 4 stars; one submission).

Submission:

GeneDx
Classification: Uncertain significance. Last evaluated: 2025-07-17. Review status: criteria provided, single submitter. Criteria: GeneDx Variant Classification Process June 2021. Collection method: clinical testing. Allele origin: germline. Affected: yes.
Comment: Not observed at significant frequency in large population cohorts (gnomAD); In silico analysis suggests that this missense variant does not alter protein structure/function; Has not been previously published as pathogenic or benign to our knowledge